The following is an entry in ClinVar:

NM_138691.3(TMC1):c.2002A>C (p.Ser668Arg)

Gene: TMC1 (transmembrane channel like 1; plus strand). Cytogenetic location: 9q21.13.
Variant type: single nucleotide variant.
Coding change: c.2002A>C on transcript NM_138691.3 (MANE Select); coding-DNA position 2002, A replaced by C.
Protein change: p.Ser668Arg; replaces serine 668 with arginine.
Molecular consequence: missense variant.
Genome position (GRCh38, 1-based): chr9:72,821,080, A>C. VCF-style: chr9-72821080-A-C. GRCh37 (hg19) VCF-style: chr9-75435996-A-C.
Other names: short protein forms S668R.
Identifiers: ClinVar variation 1712148 (VCV001712148.2), dbSNP rs1828864557, ClinGen allele CA373670666.

ClinVar aggregate classification (germline): Uncertain significance (1 of 4 stars; one submission).

Submission:

GeneDx
Classification: Uncertain significance. Last evaluated: 2022-04-18. Review status: criteria provided, single submitter. Criteria: GeneDx Variant Classification Process June 2021. Collection method: clinical testing. Allele origin: germline. Affected: yes.
Comment: Not observed at significant frequency in large population cohorts (gnomAD); In silico analysis supports that this missense variant has a deleterious effect on protein structure/function; Has not been previously published as pathogenic or benign to our knowledge